The following is an entry in ClinVar:

NM_198578.4(LRRK2):c.1249G>T (p.Ala417Ser)

Gene: LRRK2 (leucine rich repeat kinase 2; plus strand). Cytogenetic location: 12q12.
Variant type: single nucleotide variant.
Coding change: c.1249G>T on transcript NM_198578.4 (MANE Select); coding-DNA position 1249, G replaced by T.
Protein change: p.Ala417Ser; replaces alanine 417 with serine.
Molecular consequence: missense variant.
Genome position (GRCh38, 1-based): chr12:40,252,977, G>T. VCF-style: chr12-40252977-G-T. GRCh37 (hg19) VCF-style: chr12-40646779-G-T.
Other names: short protein forms A417S.
Identifiers: ClinVar variation 1760276 (VCV001760276.2), dbSNP rs2499515002, ClinGen allele CA384409489.
Genomic context (GRCh38, chr12:40,252,977, plus strand): 5'-GCTCATAGGGAAGTGATGCTCTCCATGCTGATGCATTCTTCATCAAAGGAAGTTTTCCAG[G>T]CATCTGCGAATGCATTGTCAACTCTCTTAGAACAAAATGGTAAGCAGTGGGCCATGTTTT-3'
Protein context (NP_940980.4, residues 407-427): MHSSSKEVFQ[Ala417Ser]SANALSTLLE

ClinVar aggregate classification (germline): Uncertain significance (1 of 4 stars; one submission).

Conditions:
Inborn genetic diseases. Identifiers: MedGen C0950123, MeSH D030342.

gnomAD v4.1: 1 of 1,613,286 alleles (0.000062%); no homozygotes.

Submission:

Ambry Genetics
Classification: Uncertain significance for Inborn genetic diseases. Last evaluated: 2022-04-08. Review status: criteria provided, single submitter. Criteria: Ambry Variant Classification Scheme 2023. Collection method: clinical testing. Allele origin: germline.
Comment: The p.A417S variant (also known as c.1249G>T), located in coding exon 11 of the LRRK2 gene, results from a G to T substitution at nucleotide position 1249. The alanine at codon 417 is replaced by serine, an amino acid with similar properties. This amino acid position is conserved. In addition, this alteration is predicted to be tolerated by in silico analysis. Since supporting evidence is limited at this time, the clinical significance of this alteration remains unclear.